The following is an entry in ClinVar:

ClinVar aggregate classification (germline): Uncertain significance (1 of 4 stars; one submission).

Allele frequency attached by ClinVar (database versions not stated): gnomAD 0.00001; gnomAD exomes 0.00001; TOPMed 0.00001.
gnomAD v4.1: 7 of 1,613,550 alleles (0.00043%); highest among the groups gnomAD compares: Admixed American, 0.0033%; no homozygotes.

Submission:

Labcorp Genetics (formerly Invitae), Labcorp
Classification: Uncertain significance. Last evaluated: 2022-08-30. Review status: criteria provided, single submitter. Criteria: Invitae Variant Classification Sherloc (09022015). Collection method: clinical testing. Allele origin: germline.
Comment: This sequence change replaces isoleucine, which is neutral and non-polar, with threonine, which is neutral and polar, at codon 1208 of the MYH3 protein (p.Ile1208Thr). This variant is present in population databases (no rsID available, gnomAD 0.006%). This variant has not been reported in the literature in individuals affected with MYH3-related conditions. Algorithms developed to predict the effect of missense changes on protein structure and function (SIFT, PolyPhen-2, Align-GVGD) all suggest that this variant is likely to be disruptive. In summary, the available evidence is currently insufficient to determine the role of this variant in disease. Therefore, it has been classified as a Variant of Uncertain Significance.

NM_002470.4(MYH3):c.3623T>C (p.Ile1208Thr)

Gene: MYH3 (myosin heavy chain 3; minus strand). Cytogenetic location: 17p13.1.
Variant type: single nucleotide variant.
Coding change: c.3623T>C on transcript NM_002470.4 (MANE Select); coding-DNA position 3623, T replaced by C.
Protein change: p.Ile1208Thr; replaces isoleucine 1208 with threonine.
Molecular consequence: missense variant.
Genome position (GRCh38, 1-based): chr17:10,638,149, A>G on the plus strand (T>C on the coding strand, the complement: MYH3 is on the minus strand). VCF-style: chr17-10638149-A-G. GRCh37 (hg19) VCF-style: chr17-10541466-A-G.
Other names: short protein forms I1208T.
Identifiers: ClinVar variation 1974222 (VCV001974222.5), dbSNP rs1217842356, ClinGen allele CA398150992.